The following is an entry in ClinVar:

ClinVar aggregate classification (germline): Uncertain significance (1 of 4 stars; one submission).

Conditions:
Primary ciliary dyskinesia. Also called: Ciliary dyskinesia. Identifiers: Orphanet 244, MedGen C0008780, MONDO:0016575, HP:0012265.

Submission:

Labcorp Genetics (formerly Invitae), Labcorp
Classification: Uncertain significance for Primary ciliary dyskinesia. Last evaluated: 2018-12-09. Review status: criteria provided, single submitter. Criteria: Invitae Variant Classification Sherloc (09022015). Collection method: clinical testing. Allele origin: germline.
Comment: This sequence change replaces lysine with threonine at codon 2054 of the DNAH11 protein (p.Lys2054Thr). The lysine residue is moderately conserved and there is a moderate physicochemical difference between lysine and threonine. This variant is not present in population databases (ExAC no frequency). This variant has not been reported in the literature in individuals with DNAH11-related disease. Algorithms developed to predict the effect of missense changes on protein structure and function (SIFT, PolyPhen-2, Align-GVGD) all suggest that this variant is likely to be tolerated, but these predictions have not been confirmed by published functional studies and their clinical significance is uncertain. In summary, the available evidence is currently insufficient to determine the role of this variant in disease. Therefore, it has been classified as a Variant of Uncertain Significance.

NM_001277115.2(DNAH11):c.6161A>C (p.Lys2054Thr)

Gene: DNAH11 (dynein axonemal heavy chain 11; plus strand). Cytogenetic location: 7p15.3.
Variant type: single nucleotide variant.
Coding change: c.6161A>C on transcript NM_001277115.2 (MANE Select); coding-DNA position 6161, A replaced by C.
Protein change: p.Lys2054Thr; replaces lysine 2054 with threonine.
Molecular consequence: missense variant.
Genome position (GRCh38, 1-based): chr7:21,698,194, A>C. VCF-style: chr7-21698194-A-C. GRCh37 (hg19) VCF-style: chr7-21737812-A-C.
Other names: short protein forms K2054T.
Identifiers: ClinVar variation 642224 (VCV000642224.1), dbSNP rs1306063707, ClinGen allele CA366935462.
Genomic context (GRCh38, chr7:21,698,194, plus strand): 5'-AAGGTTTTGTGGATGCGCGTGCATTAGCCCGAAAGTTCATTACGTTGTACACGCTTTGCA[A>C]GGAGCTTCTCTCCAAGCAGGTGAGGGATCATTTGTTACGTTTTCTTGTTTTTACATACCA-3'
Protein context (NP_001264044.1, residues 2044-2064): RKFITLYTLC[Lys2054Thr]ELLSKQDHYD